The following is an entry in ClinVar:

ClinVar aggregate classification (germline): Uncertain significance (1 of 4 stars; one submission).

Conditions:
Neuromuscular disease caused by qualitative or quantitative defects of dysferlin. Also called: Dysferlinopathy; Qualitative or quantitative defects of dysferlin. Identifiers: Orphanet 207073, MedGen C2931687, MONDO:0016145.

Submission:

Labcorp Genetics (formerly Invitae), Labcorp
Classification: Uncertain significance for Neuromuscular disease caused by qualitative or quantitative defects of dysferlin. Last evaluated: 2022-02-05. Review status: criteria provided, single submitter. Criteria: Invitae Variant Classification Sherloc (09022015). Collection method: clinical testing. Allele origin: germline.
Comment: In summary, the available evidence is currently insufficient to determine the role of this variant in disease. Therefore, it has been classified as a Variant of Uncertain Significance. Advanced modeling of protein sequence and biophysical properties (such as structural, functional, and spatial information, amino acid conservation, physicochemical variation, residue mobility, and thermodynamic stability) performed at Invitae indicates that this missense variant is not expected to disrupt DYSF protein function. This sequence change replaces alanine, which is neutral and non-polar, with valine, which is neutral and non-polar, at codon 1891 of the DYSF protein (p.Ala1891Val). This variant is not present in population databases (gnomAD no frequency). This variant has not been reported in the literature in individuals affected with DYSF-related conditions.

NM_001130987.2(DYSF):c.5789C>T (p.Ala1930Val)

Gene: DYSF (dysferlin; plus strand). Cytogenetic location: 2p13.2.
Variant type: single nucleotide variant.
Coding change: c.5789C>T on transcript NM_001130987.2 (MANE Select); coding-DNA position 5789, C replaced by T.
Protein change: p.Ala1930Val; replaces alanine 1930 with valine.
Molecular consequence: missense variant.
Genome position (GRCh38, 1-based): chr2:71,674,201, C>T. VCF-style: chr2-71674201-C-T. GRCh37 (hg19) VCF-style: chr2-71901331-C-T.
Other names: c.5675C>T, p.Ala1892Val (NM_001130455.2); c.5630C>T, p.Ala1877Val (NM_001130976.2); c.5693C>T, p.Ala1898Val (NM_001130977.2); c.5735C>T, p.Ala1912Val (NM_001130978.2); c.5765C>T, p.Ala1922Val (NM_001130979.2); c.5723C>T, p.Ala1908Val (NM_001130980.2); c.5786C>T, p.Ala1929Val (NM_001130981.2); c.5768C>T, p.Ala1923Val (NM_001130982.2); and 5 more; short protein forms A1878V, A1913V, A1929V, A1899V, A1908V, A1912V, A1923V, A1891V.
Identifiers: ClinVar variation 1422821 (VCV001422821.8), dbSNP rs1346535569, ClinGen allele CA347224869.